The following is an entry in ClinVar:

ClinVar aggregate classification (germline): Uncertain significance (1 of 4 stars; one submission).

Conditions:
Malignant hyperthermia, susceptibility to, 1 (MHS1). Also called: Anesthesia related hyperthermia; Malignant hyperpyrexia; Fulminating hyperpyrexia; Pharmacogenic myopathy; Malignant hyperthermia suceptibility 1; RYR1-Related Malignant Hyperthermia Susceptibility. Identifiers: Orphanet 423, MedGen C2930980, MONDO:0007783, OMIM 145600.

gnomAD v4.1: 1 of 1,611,736 alleles (0.000062%); highest among the groups gnomAD compares: Non-Finnish European, 0.000085%; no homozygotes.

Submission:

All of Us Research Program, National Institutes of Health
Classification: Uncertain significance for Malignant hyperthermia, susceptibility to, 1. Last evaluated: 2024-04-25. Review status: criteria provided, single submitter. Criteria: ACMG Guidelines, 2015. Collection method: clinical testing. Allele origin: germline. Inheritance: Autosomal dominant inheritance. Observed: 1 variant allele, 1 heterozygote.
Comment: This missense variant replaces serine with leucine at codon 4197 of the RYR1 protein. Computational prediction suggests that this variant may have deleterious impact on protein structure and function (internally defined REVEL score threshold >= 0.7, PMID: 27666373). To our knowledge, functional studies have not been reported for this variant. This variant has not been reported in individuals affected with RYR1-related disorders in the literature. This variant has not been identified in the general population by the Genome Aggregation Database (gnomAD). The available evidence is insufficient to determine the role of this variant in disease conclusively. Therefore, this variant is classified as a Variant of Uncertain Significance.

This study involves interpretation of variants in research participants for the purpose of population health screening. Participant phenotype was not available at the time of variant classification. Additional details can be found in publication PMID: 35346344, PMCID: PMC8962531

NM_000540.3(RYR1):c.12590C>T (p.Ser4197Leu)

Gene: RYR1 (ryanodine receptor 1; plus strand). Cytogenetic location: 19q13.2.
Variant type: single nucleotide variant.
Coding change: c.12590C>T on transcript NM_000540.3 (MANE Select); coding-DNA position 12590, C replaced by T.
Protein change: p.Ser4197Leu; replaces serine 4197 with leucine.
Molecular consequence: missense variant.
Genome position (GRCh38, 1-based): chr19:38,561,420, C>T. VCF-style: chr19-38561420-C-T. GRCh37 (hg19) VCF-style: chr19-39052060-C-T.
Other names: c.12575C>T, p.Ser4192Leu (NM_001042723.2); short protein forms S4192L, S4197L.
Identifiers: ClinVar variation 3385588 (VCV003385588.1).
Genomic context (GRCh38, chr19:38,561,420, plus strand): 5'-TGGGCCGCATCGAGATCATGGGCGCGTCACGCCGCATCGAGCGCATCTACTTCGAGATCT[C>T]AGAGACCAACCGCGCCCAGTGGGAGATGCCCCAGGTCAGGGAACCCGCGCGCGTGCAAGC-3'
Protein context (NP_000531.2, residues 4187-4207): RRIERIYFEI[Ser4197Leu]ETNRAQWEMP